The following is an entry in ClinVar:

ClinVar aggregate classification (germline): Likely pathogenic (1 of 4 stars; one submission).

Conditions:
VPS13A-related neurodegenerative disease. Also called: LEVINE-CRITCHLEY SYNDROME; Choreaacanthocytosis; ACANTHOCYTOSIS WITH NEUROLOGIC DISORDER; Choreoacanthocytosis; Chorea-acanthocytosis; VPS13A Disease. Identifiers: Orphanet 2388, MedGen C0393576, MONDO:0008695, OMIM 200150.

Submission:

Natera, Inc.
Classification: Likely pathogenic for Choreaacanthocytosis. Last evaluated: 2024-10-02. Review status: criteria provided, single submitter. Criteria: Natera Variant Classification Schema (03/2026). Collection method: clinical testing. Allele origin: germline.
Comment: The c.9065_9069delAGGGAinsGGG variant in VPS13A is a frameshift variant predicted to shift the reading frame beginning at codon 3022 and leads to a stop codon 10 codons downstream. This variant is expected to result in nonsense mediated decay, truncation, or a dysfunctional protein product. This variant is rare in the general population with a frequency below the threshold expected for the associated phenotype(s). Given the available evidence, this variant is classified as Likely Pathogenic.

NM_033305.3(VPS13A):c.9065_9069delinsGGG (p.Gln3022fs)

Gene: VPS13A (vacuolar protein sorting 13 homolog A; plus strand). Cytogenetic location: 9q21.2.
Variant type: Indel.
Coding change: c.9065_9069delinsGGG on transcript NM_033305.3 (MANE Select); coding-DNA positions 9065 to 9069, AGGGA replaced by GGG.
Protein change: p.Gln3022fs; shifts the reading frame from glutamine 3022.
Molecular consequence: frameshift variant.
Genome position (GRCh38, 1-based): chr9:77,371,137-77,371,141, AGGGA replaced by GGG. VCF-style: chr9-77371137-AGGGA-GGG. GRCh37 (hg19) VCF-style: chr9-79986053-AGGGA-GGG.
Other names: c.8948_8952delinsGGG, p.Gln2983fs (NM_001018037.2); c.9065_9069delinsGGG, p.Gln3022fs (NM_001018038.3, NM_015186.4); short protein forms Q2983fs, Q3022fs.
Identifiers: ClinVar variation 4816434 (VCV004816434.1).